The following is an entry in ClinVar:

ClinVar aggregate classification (germline): Conflicting classifications of pathogenicity. Review status: criteria provided, conflicting classifications (1 of 4 stars). 2 submissions from 2 submitters: Uncertain significance (1); Likely benign (1). Last evaluated 2026-08-07.

Conditions:
Hereditary cancer-predisposing syndrome. Also called: Hereditary Cancer Syndrome; Hereditary neoplastic syndrome; Neoplastic Syndromes, Hereditary; Tumor predisposition. Identifiers: Orphanet 140162, MedGen C0027672, MeSH D009386, MONDO:0015356.
Hereditary nonpolyposis colorectal neoplasms. Identifiers: MedGen C0009405, MeSH D003123.

Submissions (2):

Ambry Genetics
Classification: Likely benign for Hereditary cancer-predisposing syndrome. Last evaluated: 2026-08-07. Review status: criteria provided, single submitter. Criteria: Ambry Variant Classification Scheme 2023. Collection method: clinical testing. Allele origin: germline.

Labcorp Genetics (formerly Invitae), Labcorp
Classification: Uncertain significance for Hereditary nonpolyposis colorectal neoplasms. Last evaluated: 2023-07-25. Review status: criteria provided, single submitter. Criteria: Invitae Variant Classification Sherloc (09022015). Collection method: clinical testing. Allele origin: germline.
Comment: This variant is not present in population databases (gnomAD no frequency). This variant has not been reported in the literature in individuals affected with PMS2-related conditions. ClinVar contains an entry for this variant (Variation ID: 1769472). Advanced modeling of protein sequence and biophysical properties (such as structural, functional, and spatial information, amino acid conservation, physicochemical variation, residue mobility, and thermodynamic stability) performed at Invitae indicates that this missense variant is not expected to disrupt PMS2 protein function. In summary, the available evidence is currently insufficient to determine the role of this variant in disease. Therefore, it has been classified as a Variant of Uncertain Significance. This sequence change replaces histidine, which is basic and polar, with arginine, which is basic and polar, at codon 435 of the PMS2 protein (p.His435Arg).

NM_000535.7(PMS2):c.1304A>G (p.His435Arg)

Gene: PMS2 (PMS1 homolog 2, mismatch repair system component; minus strand). Cytogenetic location: 7p22.1.
Variant type: single nucleotide variant.
Coding change: c.1304A>G on transcript NM_000535.7 (MANE Select); coding-DNA position 1304, A replaced by G.
Protein change: p.His435Arg; replaces histidine 435 with arginine.
Molecular consequence: missense variant. On other transcripts: non-coding transcript variant (1).
Genome position (GRCh38, 1-based): chr7:5,987,461, T>C on the plus strand (A>G on the coding strand, the complement: PMS2 is on the minus strand). VCF-style: chr7-5987461-T-C. GRCh37 (hg19) VCF-style: chr7-6027092-T-C.
Other names: c.899A>G, p.His300Arg (NM_001018040.1, NM_001322003.2, NM_001322004.2 and 17 more transcripts); c.1148A>G, p.His383Arg (NM_001322006.2, NM_001406870.1); c.986A>G, p.His329Arg (NM_001322007.2, NM_001322008.2, NM_001406876.1 and 2 more transcripts); c.743A>G, p.His248Arg (NM_001322010.2, NM_001406906.1, NM_001406907.1); c.371A>G, p.His124Arg (NM_001322011.2, NM_001322012.2); c.731A>G, p.His244Arg (NM_001322013.2, NM_001406909.1); c.1304A>G, p.His435Arg (NM_001322014.2, NM_001406871.1, NM_001406872.1); c.995A>G, p.His332Arg (NM_001322015.2, NM_001406875.1, NM_001406877.1 and 5 more transcripts); and 12 more; short protein forms H178R, H300R, H313R, H323R, H327R, H399R, H443R, H497R.
Identifiers: ClinVar variation 1769472 (VCV001769472.6), dbSNP rs1554297915, ClinGen allele CA366742374.